The following is an entry in ClinVar:

ClinVar aggregate classification (germline): Uncertain significance (1 of 4 stars; one submission).

Conditions:
Nephronophthisis. Also called: Juvenile Nephronophthisis. Identifiers: Orphanet 655, MedGen C0687120, MONDO:0019005, HP:0000090.

Submission:

Labcorp Genetics (formerly Invitae), Labcorp
Classification: Uncertain significance for Nephronophthisis. Last evaluated: 2024-02-17. Review status: criteria provided, single submitter. Criteria: Invitae Variant Classification Sherloc (09022015). Collection method: clinical testing. Allele origin: germline.
Comment: This sequence change replaces lysine, which is basic and polar, with glutamic acid, which is acidic and polar, at codon 135 of the NPHP3 protein (p.Lys135Glu). This variant is not present in population databases (gnomAD no frequency). This variant has not been reported in the literature in individuals affected with NPHP3-related conditions. ClinVar contains an entry for this variant (Variation ID: 1468617). Advanced modeling of protein sequence and biophysical properties (such as structural, functional, and spatial information, amino acid conservation, physicochemical variation, residue mobility, and thermodynamic stability) performed at Invitae indicates that this missense variant is not expected to disrupt NPHP3 protein function with a negative predictive value of 80%. In summary, the available evidence is currently insufficient to determine the role of this variant in disease. Therefore, it has been classified as a Variant of Uncertain Significance.

NM_153240.5(NPHP3):c.403A>G (p.Lys135Glu)

Genes: NPHP3 (nephrocystin 3; minus strand), NPHP3-ACAD11 (NPHP3-ACAD11 readthrough (NMD candidate); minus strand). Cytogenetic location: 3q22.1.
Variant type: single nucleotide variant.
Coding change: c.403A>G on transcript NM_153240.5 (MANE Select); coding-DNA position 403, A replaced by G.
Protein change: p.Lys135Glu; replaces lysine 135 with glutamic acid.
Molecular consequence: missense variant. On other transcripts: non-coding transcript variant (1).
Genome position (GRCh38, 1-based): chr3:132,719,821, T>C on the plus strand (A>G on the coding strand, the complement: NPHP3 is on the minus strand). VCF-style: chr3-132719821-T-C. GRCh37 (hg19) VCF-style: chr3-132438665-T-C.
Other names: short protein forms K135E.
Identifiers: ClinVar variation 1468617 (VCV001468617.6), dbSNP rs2108003849, ClinGen allele CA354588091.